The following is an entry in ClinVar:

ClinVar aggregate classification (germline): Benign/Likely benign. Review status: criteria provided, multiple submitters, no conflicts (2 of 4 stars). 5 submissions from 5 submitters: Benign (4); Likely benign (1). Last evaluated 2026-01-21.

Allele frequency attached by ClinVar (database versions not stated): TOPMed 0.67067; ESP Exome Variant Server 0.67315; 1000 Genomes Project 30x 0.67552; gnomAD 0.67756 and 0.68720; 1000 Genomes Project 0.68750; ExAC 0.78550; gnomAD exomes 0.79336 and 0.81951.
gnomAD v4.1: 1,301,047 of 1,613,586 alleles (81%); highest among the groups gnomAD compares: East Asian, 87%; 534,265 homozygotes.

Submissions (5):

Women's Health and Genetics/Laboratory Corporation of America, LabCorp
Classification: Benign. Last evaluated: 2026-01-21. Review status: criteria provided, single submitter. Criteria: LabCorp Variant Classification Summary - May 2015. Collection method: clinical testing. Allele origin: germline.

Blueprint Genetics
Classification: Likely benign. Last evaluated: 2024-11-26. Review status: criteria provided, single submitter. Criteria: ACMG Guidelines, 2015. Collection method: clinical testing. Allele origin: germline.

Mayo Clinic Laboratories, Mayo Clinic
Classification: Benign. Last evaluated: 2022-09-06. Review status: criteria provided, single submitter. Criteria: ACMG Guidelines, 2015. Collection method: clinical testing. Allele origin: germline. Observed: 9 variant alleles.

Laboratory for Molecular Medicine, Mass General Brigham Personalized Medicine
Classification: Benign. Last evaluated: 2016-03-29. Review status: criteria provided, single submitter. Criteria: LMM Criteria. Collection method: clinical testing. Allele origin: germline.
Comment: Variant identified in a genome or exome case(s) and assessed due to predicted null impact of the variant or pathogenic assertions in the literature or databases. Disclaimer: This variant has not undergone full assessment. The following are preliminary notes: Frequency

Breakthrough Genomics
Classification: Benign. Review status: criteria provided, single submitter. Criteria: ACMG Guidelines, 2015. Collection method: not provided. Allele origin: germline. Inheritance: Autosomal recessive inheritance. Affected: yes.

NM_006610.4(MASP2):c.1479C>T (p.Ser493=)

Genes: MASP2 (MBL associated serine protease 2; minus strand), TARDBP (TAR DNA binding protein; plus strand). Cytogenetic location: 1p36.22.
Variant type: single nucleotide variant.
Coding change: c.1479C>T on transcript NM_006610.4 (MANE Select); coding-DNA position 1479, C replaced by T.
Protein change: p.Ser493=; no amino-acid change (serine 493 retained).
Molecular consequence: synonymous variant.
Genome position (GRCh38, 1-based): chr1:11,027,467, G>A on the plus strand (C>T on the coding strand, the complement: MASP2 is on the minus strand). VCF-style: chr1-11027467-G-A. GRCh37 (hg19) VCF-style: chr1-11087524-G-A.
Other names: p.Ser493=.
Identifiers: ClinVar variation 291781 (VCV000291781.12), dbSNP rs1782455, ClinGen allele CA586657.